The following is an entry in ClinVar:

ClinVar aggregate classification (germline): Uncertain significance (1 of 4 stars; one submission).

Conditions:
Nemaline myopathy 2 (NEM2). Also called: Nemaline myopathy 2, autosomal recessive. Identifiers: MedGen C1850569, MONDO:0009725, OMIM 256030.

Submission:

Labcorp Genetics (formerly Invitae), Labcorp
Classification: Uncertain significance for Nemaline myopathy 2. Last evaluated: 2022-04-06. Review status: criteria provided, single submitter. Criteria: Invitae Variant Classification Sherloc (09022015). Collection method: clinical testing. Allele origin: germline.
Comment: This variant has not been reported in the literature in individuals affected with NEB-related conditions. In summary, the available evidence is currently insufficient to determine the role of this variant in disease. Therefore, it has been classified as a Variant of Uncertain Significance. Algorithms developed to predict the effect of missense changes on protein structure and function are either unavailable or do not agree on the potential impact of this missense change (SIFT: "Deleterious"; PolyPhen-2: "Not Available"; Align-GVGD: "Class C0"). This variant is not present in population databases (gnomAD no frequency). This sequence change replaces arginine, which is basic and polar, with glycine, which is neutral and non-polar, at codon 466 of the NEB protein (p.Arg466Gly).

NM_001164508.2(NEB):c.1396A>G (p.Arg466Gly)

Gene: NEB (nebulin; minus strand). Cytogenetic location: 2q23.3.
Variant type: single nucleotide variant.
Coding change: c.1396A>G on transcript NM_001164508.2 (MANE Select); coding-DNA position 1396, A replaced by G.
Protein change: p.Arg466Gly; replaces arginine 466 with glycine.
Molecular consequence: missense variant.
Genome position (GRCh38, 1-based): chr2:151,697,222, T>C on the plus strand (A>G on the coding strand, the complement: NEB is on the minus strand). VCF-style: chr2-151697222-T-C. GRCh37 (hg19) VCF-style: chr2-152553736-T-C.
Other names: c.1396A>G, p.Arg466Gly (NM_001164507.2, NM_001271208.2, NM_004543.5); short protein forms R466G.
Identifiers: ClinVar variation 2121912 (VCV002121912.4), dbSNP rs2552269938, ClinGen allele CA348825455.